The following is an entry in ClinVar:

ClinVar aggregate classification (germline): Conflicting classifications of pathogenicity. Review status: criteria provided, conflicting classifications (1 of 4 stars). 3 submissions from 3 submitters: Uncertain significance (2); Likely benign (1). Last evaluated 2026-05-01.

Conditions:
DYNC1H1-related neuronopathy.
Charcot-Marie-Tooth disease axonal type 2O. Also called: Charcot-Marie-Tooth disease, axonal, type 20; CHARCOT-MARIE-TOOTH NEUROPATHY, AXONAL, TYPE 2O; CHARCOT-MARIE-TOOTH DISEASE, AXONAL, AUTOSOMAL DOMINANT, TYPE 2O; Charcot-Marie-Tooth Neuropathy Type 2O. Identifiers: Orphanet 284232, MedGen C3280220, MONDO:0013644, OMIM 614228.

Allele frequency attached by ClinVar (database versions not stated): gnomAD exomes below 0.00001; TOPMed below 0.00001; ExAC 0.00001.
gnomAD v4.1: 8 of 1,614,204 alleles (0.0005%); highest among the groups gnomAD compares: Middle Eastern, 0.016%; no homozygotes.

Submissions (3):

CeGaT Center for Human Genetics Tuebingen
Classification: Uncertain significance. Last evaluated: 2026-05-01. Review status: criteria provided, single submitter. Criteria: CeGaT Center For Human Genetics Tuebingen Variant Classification Criteria Version 2. Collection method: clinical testing. Allele origin: germline. Affected: yes. Observed: 1 variant allele.
Comment: DYNC1H1: PP2

Labcorp Genetics (formerly Invitae), Labcorp
Classification: Likely benign for Charcot-Marie-Tooth disease axonal type 2O. Last evaluated: 2026-01-31. Review status: criteria provided, single submitter. Criteria: Invitae Variant Classification Sherloc (09022015). Collection method: clinical testing. Allele origin: germline.

Illumina Laboratory Services, Illumina
Classification: Uncertain significance for DYNC1H1-related neuronopathy. Last evaluated: 2022-03-29. Review status: criteria provided, single submitter. Criteria: ICSLVariantClassificationCriteria RUGD 01 April 2020. Collection method: clinical testing. Allele origin: unknown.
Comment: The DYNC1H1 c.12485G>T (p.Ser4162Ile) missense variant results in the substitution of serine at amino acid position 4162 with isoleucine. To our knowledge, this variant has not been reported in the peer-reviewed literature. This variant is reported in the Genome Aggregation Database in one allele at a frequency of 0.000009 in the European (non-Finnish) population (version 2.1.1). Based on the available evidence, the c.12485G>T (p.Ser4162Ile) variant is classified as a variant of uncertain significance for DYNC1H1-related neuronopathy.

NM_001376.5(DYNC1H1):c.12485G>T (p.Ser4162Ile)

Gene: DYNC1H1 (dynein cytoplasmic 1 heavy chain 1; plus strand). Cytogenetic location: 14q32.31.
Variant type: single nucleotide variant.
Coding change: c.12485G>T on transcript NM_001376.5 (MANE Select); coding-DNA position 12485, G replaced by T.
Protein change: p.Ser4162Ile; replaces serine 4162 with isoleucine.
Molecular consequence: missense variant.
Genome position (GRCh38, 1-based): chr14:102,042,720, G>T. VCF-style: chr14-102042720-G-T. GRCh37 (hg19) VCF-style: chr14-102509057-G-T.
Other names: short protein forms S4162I.
Identifiers: ClinVar variation 408982 (VCV000408982.13), dbSNP rs754437318, ClinGen allele CA7353937.